The following is an entry in ClinVar:

ClinVar aggregate classification (germline): Uncertain significance (1 of 4 stars; one submission).

Conditions:
Hereditary cancer-predisposing syndrome. Also called: Neoplastic Syndromes, Hereditary; Tumor predisposition; Hereditary Cancer Syndrome; Hereditary neoplastic syndrome. Identifiers: Orphanet 140162, MedGen C0027672, MeSH D009386, MONDO:0015356.

Submission:

Ambry Genetics
Classification: Uncertain significance for Hereditary cancer-predisposing syndrome. Last evaluated: 2022-07-27. Review status: criteria provided, single submitter. Criteria: Ambry Variant Classification Scheme 2023. Collection method: clinical testing. Allele origin: germline.
Comment: The p.L629V variant (also known as c.1885C>G), located in coding exon 11 of the RET gene, results from a C to G substitution at nucleotide position 1885. The leucine at codon 629 is replaced by valine, an amino acid with highly similar properties. This amino acid position is conserved. In addition, the in silico prediction for this alteration is inconclusive. Since supporting evidence is limited at this time, the clinical significance of this alteration remains unclear.

NM_020975.6(RET):c.1885C>G (p.Leu629Val)

Gene: RET (ret proto-oncogene; plus strand). Cytogenetic location: 10q11.21.
Variant type: single nucleotide variant.
Coding change: c.1885C>G on transcript NM_020975.6 (MANE Select); coding-DNA position 1885, C replaced by G.
Protein change: p.Leu629Val; replaces leucine 629 with valine.
Molecular consequence: missense variant.
Genome position (GRCh38, 1-based): chr10:43,114,485, C>G. VCF-style: chr10-43114485-C-G. GRCh37 (hg19) VCF-style: chr10-43609933-C-G.
Other names: c.1756C>G, p.Leu586Val (NM_001406762.1, NM_001406764.1, NM_001406761.1); c.1597C>G, p.Leu533Val (NM_001406767.1, NM_001406770.1, NM_001406766.1); c.1489C>G, p.Leu497Val (NM_001406769.1, NM_001406772.1); c.1885C>G, p.Leu629Val (NM_000323.2, NM_001406743.1, NM_001406744.1 and 4 more transcripts); c.1123C>G, p.Leu375Val (NM_001355216.2); c.1447C>G, p.Leu483Val (NM_001406771.1, NM_001406773.1); c.1360C>G, p.Leu454Val (NM_001406774.1); c.1159C>G, p.Leu387Val (NM_001406775.1, NM_001406776.1, NM_001406777.1 and 1 more transcripts); and 7 more; short protein forms L375V, L533V, L586V, L629V, L234V, L299V, L483V, L194V.
Identifiers: ClinVar variation 1781964 (VCV001781964.2), dbSNP rs1406953595, ClinGen allele CA376552892.
Genomic context (GRCh38, chr10:43,114,485, plus strand): 5'-CCCAGTGGTGCCGAGCCTCTGGCGGTGCCAAGCCTCACACCACCCCCACCCACAGATCCA[C>G]TGTGCGACGAGCTGTGCCGCACGGTGATCGCAGCCGCTGTCCTCTTCTCCTTCATCGTCT-3'
Protein context (NP_066124.1, residues 619-639): FCEPEDIQDP[Leu629Val]CDELCRTVIA